The following is an entry in ClinVar:

ClinVar aggregate classification (germline): Uncertain significance (1 of 4 stars; one submission).

Submission:

GeneDx
Classification: Uncertain significance. Last evaluated: 2019-08-05. Review status: criteria provided, single submitter. Criteria: GeneDx Variant Classification Process June 2021. Collection method: clinical testing. Allele origin: germline. Affected: yes.
Comment: Has not been previously published as pathogenic or benign to our knowledge; Not observed in large population cohorts (Lek et al., 2016); In silico analysis, which includes protein predictors and evolutionary conservation, supports that this variant does not alter protein structure/function; De novo variant with confirmed parentage, but the reported clinical features are not consistent with the features typically observed in individuals with variants in the HUWE1 gene

NM_031407.7(HUWE1):c.3271A>G (p.Thr1091Ala)

Gene: HUWE1 (HECT, UBA and WWE domain containing E3 ubiquitin protein ligase 1; minus strand). Cytogenetic location: Xp11.22.
Variant type: single nucleotide variant.
Coding change: c.3271A>G on transcript NM_031407.7 (MANE Select); coding-DNA position 3271, A replaced by G.
Protein change: p.Thr1091Ala; replaces threonine 1091 with alanine.
Molecular consequence: missense variant.
Genome position (GRCh38, 1-based): chrX:53,595,296, T>C on the plus strand (A>G on the coding strand, the complement: HUWE1 is on the minus strand). VCF-style: chrX-53595296-T-C. GRCh37 (hg19) VCF-style: chrX-53622256-T-C.
Other names: short protein forms T1091A.
Identifiers: ClinVar variation 1307684 (VCV001307684.2), dbSNP rs2148504032, ClinGen allele CA413179183.